The following is an entry in ClinVar:

ClinVar aggregate classification (germline): Pathogenic (1 of 4 stars; one submission).

Submission:

GeneDx
Classification: Pathogenic. Last evaluated: 2022-04-14. Review status: criteria provided, single submitter. Criteria: GeneDx Variant Classification Process June 2021. Collection method: clinical testing. Allele origin: germline. Affected: yes.
Comment: Nonsense variant predicted to result in protein truncation or nonsense mediated decay in a gene for which loss of function is a known mechanism of disease; Not observed at significant frequency in large population cohorts (gnomAD); This variant is associated with the following publications: (PMID: 17697174)

NM_001372076.1(PAX9):c.433C>T (p.Gln145Ter)

Gene: PAX9 (paired box 9; plus strand). Cytogenetic location: 14q13.3.
Variant type: single nucleotide variant.
Coding change: c.433C>T on transcript NM_001372076.1 (MANE Select); coding-DNA position 433, C replaced by T.
Protein change: p.Gln145Ter; replaces glutamine 145 with a stop codon.
Molecular consequence: nonsense.
Genome position (GRCh38, 1-based): chr14:36,663,325, C>T. VCF-style: chr14-36663325-C-T. GRCh37 (hg19) VCF-style: chr14-37132530-C-T.
Other names: c.433C>T, p.Gln145Ter (NM_006194.4); short protein forms Q145*.
Identifiers: ClinVar variation 1710579 (VCV001710579.2), dbSNP rs1881356852, ClinGen allele CA389466828.